The following is an entry in ClinVar:

ClinVar aggregate classification (germline): Uncertain significance (1 of 4 stars; one submission).

Submission:

CeGaT Center for Human Genetics Tuebingen
Classification: Uncertain significance. Last evaluated: 2023-02-01. Review status: criteria provided, single submitter. Criteria: CeGaT Center For Human Genetics Tuebingen Variant Classification Criteria Version 2. Collection method: clinical testing. Allele origin: germline. Affected: yes. Observed: 1 variant allele.
Comment: DMD: PM2, BP4

NM_004006.3(DMD):c.2648T>G (p.Leu883Arg)

Gene: DMD (dystrophin; minus strand). Cytogenetic location: Xp21.1.
Variant type: single nucleotide variant.
Coding change: c.2648T>G on transcript NM_004006.3 (MANE Select); coding-DNA position 2648, T replaced by G.
Protein change: p.Leu883Arg; replaces leucine 883 with arginine.
Molecular consequence: missense variant.
Genome position (GRCh38, 1-based): chrX:32,485,074, A>C on the plus strand (T>G on the coding strand, the complement: DMD is on the minus strand). VCF-style: chrX-32485074-A-C. GRCh37 (hg19) VCF-style: chrX-32503191-A-C.
Other names: c.2624T>G, p.Leu875Arg (NM_000109.4); c.2636T>G, p.Leu879Arg (NM_004009.3); c.2279T>G, p.Leu760Arg (NM_004010.3); short protein forms L760R, L875R, L879R, L883R.
Identifiers: ClinVar variation 2660248 (VCV002660248.24), dbSNP rs2524916920, ClinGen allele CA412671076.